The following is an entry in ClinVar:

NM_000368.5(TSC1):c.840A>T (p.Gln280His)

Gene: TSC1 (TSC complex subunit 1; minus strand). Cytogenetic location: 9q34.13.
Variant type: single nucleotide variant.
Coding change: c.840A>T on transcript NM_000368.5 (MANE Select); coding-DNA position 840, A replaced by T.
Protein change: p.Gln280His; replaces glutamine 280 with histidine.
Molecular consequence: missense variant.
Genome position (GRCh38, 1-based): chr9:132,912,355, T>A on the plus strand (A>T on the coding strand, the complement: TSC1 is on the minus strand). VCF-style: chr9-132912355-T-A. GRCh37 (hg19) VCF-style: chr9-135787742-T-A.
Other names: c.840A>T, p.Gln280His (NM_001162426.2, NM_001406592.1, NM_001406593.1 and 16 more transcripts); c.687A>T, p.Gln229His (NM_001162427.2, NM_001406610.1, NM_001406611.1 and 2 more transcripts); c.477A>T, p.Gln159His (NM_001362177.2, NM_001406614.1, NM_001406615.1 and 10 more transcripts); c.-112A>T (NM_001406626.1, NM_001406627.1, NM_001406628.1); c.-254A>T (NM_001406629.1, NM_001406630.1); short protein forms Q280H, Q229H, Q159H.
Identifiers: ClinVar variation 1763275 (VCV001763275.2), dbSNP rs1171852730, ClinGen allele CA375369288.

ClinVar aggregate classification (germline): Uncertain significance (1 of 4 stars; one submission).

Conditions:
Hereditary cancer-predisposing syndrome. Also called: Neoplastic Syndromes, Hereditary; Tumor predisposition; Hereditary Cancer Syndrome; Hereditary neoplastic syndrome. Identifiers: Orphanet 140162, MedGen C0027672, MeSH D009386, MONDO:0015356.

Submission:

Ambry Genetics
Classification: Uncertain significance for Hereditary cancer-predisposing syndrome. Last evaluated: 2022-07-11. Review status: criteria provided, single submitter. Criteria: Ambry Variant Classification Scheme 2023. Collection method: clinical testing. Allele origin: germline.
Comment: The p.Q280H variant (also known as c.840A>T), located in coding exon 7 of the TSC1 gene, results from an A to T substitution at nucleotide position 840. The glutamine at codon 280 is replaced by histidine, an amino acid with highly similar properties. This amino acid position is conserved. In addition, this alteration is predicted to be tolerated by in silico analysis. Since supporting evidence is limited at this time, the clinical significance of this alteration remains unclear.